The following is an entry in ClinVar:

ClinVar aggregate classification (germline): Pathogenic/Likely pathogenic. Review status: criteria provided, multiple submitters, no conflicts (2 of 4 stars). 2 submissions from 2 submitters: Pathogenic (1); Likely pathogenic (1). Last evaluated 2025-06-17.

Conditions:
Familial hemiplegic migraine. Identifiers: MedGen C0338484, MONDO:0000700.

Allele frequency attached by ClinVar (database versions not stated): TOPMed 0.00001.

Submissions (2):

GeneDx
Classification: Likely pathogenic. Last evaluated: 2025-06-17. Review status: criteria provided, single submitter. Criteria: GeneDx Variant Classification Process June 2021. Collection method: clinical testing. Allele origin: germline. Affected: yes.
Comment: Frameshift variant predicted to result in protein truncation or nonsense mediated decay in a gene for which loss of function is a known mechanism of disease; Not observed at significant frequency in large population cohorts (gnomAD); Has not been previously published as pathogenic or benign to our knowledge

Labcorp Genetics (formerly Invitae), Labcorp
Classification: Pathogenic for Familial hemiplegic migraine. Last evaluated: 2022-11-14. Review status: criteria provided, single submitter. Criteria: Invitae Variant Classification Sherloc (09022015). Collection method: clinical testing. Allele origin: germline.
Comment: ClinVar contains an entry for this variant (Variation ID: 1338894). For these reasons, this variant has been classified as Pathogenic. This sequence change creates a premature translational stop signal (p.Asn246Valfs*10) in the ATP1A2 gene. It is expected to result in an absent or disrupted protein product. Loss-of-function variants in ATP1A2 are known to be pathogenic (PMID: 30690204). This variant is not present in population databases (gnomAD no frequency). This variant has not been reported in the literature in individuals affected with ATP1A2-related conditions.

Literature cited by the submitters: PubMed 30690204 (cited by Labcorp Genetics (formerly Invitae), Labcorp).

NM_000702.4(ATP1A2):c.736_739del (p.Asn246fs)

Genes: ATP1A2 (ATPase Na+/K+ transporting subunit alpha 2; plus strand), LOC126805890 (CDK7 strongly-dependent group 2 enhancer GRCh37_chr1:160093987-160095186; plus strand). Cytogenetic location: 1q23.2.
Variant type: Deletion.
Coding change: c.736_739del on transcript NM_000702.4 (MANE Select); coding-DNA positions 736 to 739, 4 bases deleted (AACT; older notation c.736_739delAACT).
Protein change: p.Asn246fs; shifts the reading frame from asparagine 246.
Molecular consequence: frameshift variant.
Genome position (GRCh38, 1-based): chr1:160,125,241-160,125,244, AACT deleted. VCF-style (leftmost placement, unchanged base first): chr1-160125240-CAACT-C. GRCh37 (hg19) VCF-style: chr1-160095030-CAACT-C.
Other names: short protein forms N246fs.
Identifiers: ClinVar variation 1338894 (VCV001338894.8), dbSNP rs1651548761, ClinGen allele CA1202190921.